The following is an entry in ClinVar:

ClinVar aggregate classification (germline): Uncertain significance (1 of 4 stars; one submission).

Conditions:
Dyskeratosis congenita, autosomal dominant 6 (DKCA6). Identifiers: Orphanet 3322, MedGen C4225284, MONDO:0014690, OMIM 616553.

gnomAD v4.1: 1 of 1,614,200 alleles (0.000062%); highest among the groups gnomAD compares: Non-Finnish European, 0.000085%; no homozygotes.

Submission:

Labcorp Genetics (formerly Invitae), Labcorp
Classification: Uncertain significance for Dyskeratosis congenita, autosomal dominant 6. Last evaluated: 2022-04-19. Review status: criteria provided, single submitter. Criteria: Invitae Variant Classification Sherloc (09022015). Collection method: clinical testing. Allele origin: germline.
Comment: In summary, the available evidence is currently insufficient to determine the role of this variant in disease. Therefore, it has been classified as a Variant of Uncertain Significance. Algorithms developed to predict the effect of missense changes on protein structure and function (SIFT, PolyPhen-2, Align-GVGD) all suggest that this variant is likely to be tolerated. This variant has not been reported in the literature in individuals affected with ACD-related conditions. This variant is not present in population databases (gnomAD no frequency). This sequence change replaces methionine, which is neutral and non-polar, with lysine, which is basic and polar, at codon 544 of the ACD protein (p.Met544Lys).

NM_001082486.2(ACD):c.1373T>A (p.Met458Lys)

Gene: ACD (ACD shelterin complex subunit and telomerase recruitment factor; minus strand). Cytogenetic location: 16q22.1.
Variant type: single nucleotide variant.
Coding change: c.1373T>A on transcript NM_001082486.2 (MANE Select); coding-DNA position 1373, T replaced by A.
Protein change: p.Met458Lys; replaces methionine 458 with lysine.
Molecular consequence: missense variant.
Genome position (GRCh38, 1-based): chr16:67,657,610, A>T on the plus strand (T>A on the coding strand, the complement: ACD is on the minus strand). VCF-style: chr16-67657610-A-T. GRCh37 (hg19) VCF-style: chr16-67691513-A-T.
Other names: c.1286T>A, p.Met429Lys (NM_001410884.1); c.1364T>A, p.Met455Lys (NM_022914.3); short protein forms M455K, M429K, M458K.
Identifiers: ClinVar variation 2188748 (VCV002188748.4), dbSNP rs1320429671, ClinGen allele CA396349492.